The following is an entry in ClinVar:

NM_194248.3(OTOF):c.3316C>A (p.Pro1106Thr)

Gene: OTOF (otoferlin; minus strand). Cytogenetic location: 2p23.3.
Variant type: single nucleotide variant.
Coding change: c.3316C>A on transcript NM_194248.3 (MANE Select); coding-DNA position 3316, C replaced by A.
Protein change: p.Pro1106Thr; replaces proline 1106 with threonine.
Molecular consequence: missense variant.
Genome position (GRCh38, 1-based): chr2:26,474,083, G>T on the plus strand (C>A on the coding strand, the complement: OTOF is on the minus strand). VCF-style: chr2-26474083-G-T. GRCh37 (hg19) VCF-style: chr2-26696951-G-T.
Other names: c.3316C>A, p.Pro1106Thr (NM_001287489.2); c.1075C>A, p.Pro359Thr (NM_004802.4, NM_194323.3); c.1246C>A, p.Pro416Thr (NM_194322.3); short protein forms P1106T, P416T, P359T.
Identifiers: ClinVar variation 179806 (VCV000179806.5), dbSNP rs727505141, ClinGen allele CA185176.
Genomic context (GRCh38, chr2:26,474,083, plus strand): 5'-TGCCCATGGGCACGGGCATGATGGGACCTCGGTCCACGTCCACCGGGCCATTGATGGGGG[G>T]CAGGTCAGCCTTCCCTGCTGGTCCAATCTGGGGAATGGGGGTCACAGGTCACACACTGGG-3'
Protein context (NP_919224.1, residues 1096-1116): QIGPAGKADL[Pro1106Thr]PINGPVDVDR

ClinVar aggregate classification (germline): Uncertain significance (1 of 4 stars; one submission).

Allele frequency attached by ClinVar (database versions not stated): gnomAD 0.00001; gnomAD exomes 0.00001; TOPMed 0.00001.
gnomAD v4.1: 12 of 1,612,892 alleles (0.00074%); highest among the groups gnomAD compares: African/African-American, 0.0013%; no homozygotes.

Submission:

Laboratory for Molecular Medicine, Mass General Brigham Personalized Medicine
Classification: Uncertain significance. Last evaluated: 2014-06-03. Review status: criteria provided, single submitter. Criteria: LMM Criteria. Collection method: clinical testing. Allele origin: germline. Observed: 2 variant alleles.
Comment: The Pro1106Thr variant in OTOF has not been previously reported in individuals w ith hearing loss or in large population studies. Computational prediction tools and conservation analyses suggest that the Pro1106Thr variant may impact the pro tein, though this information is not predictive enough to determine pathogenicit y. In summary, the clinical significance of the Pro1106Thr variant is uncertain.